The following is an entry in ClinVar:

NM_000388.4(CASR):c.2027C>G (p.Thr676Arg)

Gene: CASR (calcium sensing receptor; plus strand). Cytogenetic location: 3q21.1.
Variant type: single nucleotide variant.
Coding change: c.2027C>G on transcript NM_000388.4 (MANE Select); coding-DNA position 2027, C replaced by G.
Protein change: p.Thr676Arg; replaces threonine 676 with arginine.
Molecular consequence: missense variant.
Genome position (GRCh38, 1-based): chr3:122,283,981, C>G. VCF-style: chr3-122283981-C-G. GRCh37 (hg19) VCF-style: chr3-122002828-C-G.
Other names: c.2057C>G, p.Thr686Arg (NM_001178065.2); short protein forms T686R, T676R.
Identifiers: ClinVar variation 640176 (VCV000640176.14), dbSNP rs768204447, ClinGen allele CA2569770.

ClinVar aggregate classification (germline): Conflicting classifications of pathogenicity. Review status: criteria provided, conflicting classifications (1 of 4 stars). 4 submissions from 4 submitters: Uncertain significance (3); Likely benign (1). Last evaluated 2026-01-05.

Conditions:
Familial hypocalciuric hypercalcemia 1. Also called: Hypercalcemia, familial benign type 1. Identifiers: Orphanet 405, Orphanet 93372, MedGen C0342637, MONDO:0007791, OMIM 145980.
Familial hypocalciuric hypercalcemia (FHH). Also called: Familial benign hypercalcemia. Identifiers: Orphanet 405, MedGen C1809471, MONDO:0018458.
Autosomal dominant hypocalcemia 1 (HYPOC1). Also called: HYPOCALCEMIA, FAMILIAL. Identifiers: MedGen C3715128, MONDO:0011013, OMIM 601198.
Nephrolithiasis/nephrocalcinosis. Identifiers: MedGen CN580796.
Epilepsy, idiopathic generalized, susceptibility to, 8. Identifiers: MedGen C2752062, MONDO:0013032, OMIM 612899.
Neonatal severe primary hyperparathyroidism. Identifiers: Orphanet 417, MedGen C1832615, MONDO:0009397, OMIM 239200.

Allele frequency attached by ClinVar (database versions not stated): TOPMed below 0.00001; gnomAD 0.00001.
gnomAD v4.1: 3 of 1,613,540 alleles (0.00019%); highest among the groups gnomAD compares: East Asian, 0.0022%; no homozygotes.

Submissions (4):

Labcorp Genetics (formerly Invitae), Labcorp
Classification: Likely benign for Familial hypocalciuric hypercalcemia; Autosomal dominant hypocalcemia 1. Last evaluated: 2026-01-05. Review status: criteria provided, single submitter. Criteria: Invitae Variant Classification Sherloc (09022015). Collection method: clinical testing. Allele origin: germline.

Ambry Genetics
Classification: Uncertain significance for Nephrolithiasis/nephrocalcinosis. Last evaluated: 2023-12-21. Review status: criteria provided, single submitter. Criteria: Ambry Variant Classification Scheme 2023. Collection method: clinical testing. Allele origin: germline.
Comment: The p.T676R variant (also known as c.2027C>G), located in coding exon 6 of the CASR gene, results from a C to G substitution at nucleotide position 2027. The threonine at codon 676 is replaced by arginine, an amino acid with similar properties. This amino acid position is conserved. In addition, this alteration is predicted to be deleterious by in silico analysis. Since supporting evidence is limited at this time, the clinical significance of this alteration remains unclear.

Fulgent Genetics
Classification: Uncertain significance for Familial hypocalciuric hypercalcemia 1; Neonatal severe primary hyperparathyroidism; Autosomal dominant hypocalcemia 1; Epilepsy, idiopathic generalized, susceptibility to, 8. Last evaluated: 2022-05-25. Review status: criteria provided, single submitter. Criteria: ACMG Guidelines, 2015. Collection method: clinical testing. Allele origin: unknown.

MGZ Medical Genetics Center
Classification: Uncertain significance for Familial hypocalciuric hypercalcemia 1. Last evaluated: 2022-01-14. Review status: criteria provided, single submitter. Criteria: ACMG Guidelines, 2015. Collection method: clinical testing. Allele origin: germline. Affected: yes. Observed: 1 variant allele.
Comment: ACMG criteria applied: PM2_SUP, PP2, PP3